The following is an entry in ClinVar:

ClinVar aggregate classification (germline): Likely benign (1 of 4 stars; one submission).

Conditions:
Colorectal cancer, susceptibility to, 12 (CRCS12). Also called: COLORECTAL CANCER, SUSCEPTIBILITY TO, ON CHROMOSOME 12q24. Identifiers: Orphanet 220460, MedGen C3554460, MONDO:0014038, OMIM 615083.

Submission:

Myriad Genetics, Inc.
Classification: Likely benign for Colorectal cancer, susceptibility to, 12. Last evaluated: 2025-02-07. Review status: criteria provided, single submitter. Criteria: Myriad Autosomal Dominant, Autosomal Recessive and X-Linked Classification Criteria (2023). Collection method: clinical testing. Allele origin: unknown.
Comment: This variant is considered likely benign. This variant is intronic and is not expected to impact mRNA splicing.

NM_006231.4(POLE):c.909+7A>T

Gene: POLE (DNA polymerase epsilon, catalytic subunit; minus strand). Cytogenetic location: 12q24.33.
Variant type: single nucleotide variant.
Coding change: c.909+7A>T on transcript NM_006231.4 (MANE Select); 7 bases into the intron after coding-DNA position 909, A replaced by T.
Molecular consequence: intron variant.
Genome position (GRCh38, 1-based): chr12:132,676,539, T>A on the plus strand (A>T on the coding strand, the complement: POLE is on the minus strand). VCF-style: chr12-132676539-T-A. GRCh37 (hg19) VCF-style: chr12-133253125-T-A.
Identifiers: ClinVar variation 3904234 (VCV003904234.1).